The following is an entry in ClinVar:

ClinVar aggregate classification (germline): Uncertain significance. Review status: criteria provided, multiple submitters, no conflicts (2 of 4 stars). 4 submissions from 4 submitters: Uncertain significance (4). Last evaluated 2026-01-30.

Conditions:
Hereditary nonpolyposis colorectal neoplasms. Identifiers: MedGen C0009405, MeSH D003123.
Hereditary cancer-predisposing syndrome. Also called: Neoplastic Syndromes, Hereditary; Hereditary neoplastic syndrome; Tumor predisposition; Hereditary Cancer Syndrome. Identifiers: Orphanet 140162, MedGen C0027672, MeSH D009386, MONDO:0015356.
Lynch syndrome. Identifiers: Orphanet 144, MedGen C4552100, MONDO:0005835. Disease mechanism: loss of function.

Submissions (4):

Ambry Genetics
Classification: Uncertain significance for Hereditary cancer-predisposing syndrome. Last evaluated: 2026-01-30. Review status: criteria provided, single submitter. Criteria: Ambry Variant Classification Scheme 2023. Collection method: clinical testing. Allele origin: germline.
Comment: The p.L617F variant (also known as c.1849C>T), located in coding exon 4 of the MSH6 gene, results from a C to T substitution at nucleotide position 1849. The leucine at codon 617 is replaced by phenylalanine, an amino acid with highly similar properties. This amino acid position is well conserved in available vertebrate species. In addition, the in silico prediction for this alteration is inconclusive. Based on the available evidence, the clinical significance of this variant remains unclear.

Labcorp Genetics (formerly Invitae), Labcorp
Classification: Uncertain significance for Hereditary nonpolyposis colorectal neoplasms. Last evaluated: 2024-02-01. Review status: criteria provided, single submitter. Criteria: Invitae Variant Classification Sherloc (09022015). Collection method: clinical testing. Allele origin: germline.
Comment: This sequence change replaces leucine, which is neutral and non-polar, with phenylalanine, which is neutral and non-polar, at codon 617 of the MSH6 protein (p.Leu617Phe). This variant is not present in population databases (gnomAD no frequency). This variant has not been reported in the literature in individuals affected with MSH6-related conditions. ClinVar contains an entry for this variant (Variation ID: 575217). Advanced modeling of protein sequence and biophysical properties (such as structural, functional, and spatial information, amino acid conservation, physicochemical variation, residue mobility, and thermodynamic stability) performed at Invitae indicates that this missense variant is not expected to disrupt MSH6 protein function with a negative predictive value of 95%. Algorithms developed to predict the effect of sequence changes on RNA splicing suggest that this variant may create or strengthen a splice site. In summary, the available evidence is currently insufficient to determine the role of this variant in disease. Therefore, it has been classified as a Variant of Uncertain Significance.

All of Us Research Program, National Institutes of Health
Classification: Uncertain significance for Lynch syndrome. Last evaluated: 2023-08-15. Review status: criteria provided, single submitter. Criteria: ACMG Guidelines, 2015. Collection method: clinical testing. Allele origin: germline. Inheritance: Autosomal dominant inheritance. Observed: 1 variant allele, 1 heterozygote.
Comment: This missense variant replaces leucine with phenylalanine at codon 617 of the MSH6 protein. Computational prediction is inconclusive regarding the impact of this variant on protein structure and function (internally defined REVEL score threshold 0.5 < inconclusive < 0.7, PMID: 27666373). To our knowledge, functional studies have not been reported for this variant. This variant has not been reported in individuals affected with MSH6-related disorders in the literature. This variant has not been identified in the general population by the Genome Aggregation Database (gnomAD). The available evidence is insufficient to determine the role of this variant in disease conclusively. Therefore, this variant is classified as a Variant of Uncertain Significance.

This study involves interpretation of variants in research participants for the purpose of population health screening. Participant phenotype was not available at the time of variant classification. Additional details can be found in publication PMID: 35346344, PMCID: PMC8962531

GeneDx
Classification: Uncertain significance. Last evaluated: 2020-08-13. Review status: criteria provided, single submitter. Criteria: GeneDx Variant Classification Process June 2021. Collection method: clinical testing. Allele origin: germline. Affected: yes.
Comment: Not observed in large population cohorts (Lek 2016); In silico analysis supports that this missense variant does not alter protein structure/function; Has not been previously published as pathogenic or benign to our knowledge

NM_000179.3(MSH6):c.1849C>T (p.Leu617Phe)

Gene: MSH6 (mutS homolog 6; plus strand). Cytogenetic location: 2p16.3.
Variant type: single nucleotide variant.
Coding change: c.1849C>T on transcript NM_000179.3 (MANE Select); coding-DNA position 1849, C replaced by T.
Protein change: p.Leu617Phe; replaces leucine 617 with phenylalanine.
Molecular consequence: missense variant.
Genome position (GRCh38, 1-based): chr2:47,799,832, C>T. VCF-style: chr2-47799832-C-T. GRCh37 (hg19) VCF-style: chr2-48026971-C-T.
Other names: c.1459C>T, p.Leu487Phe (NM_001281492.2); c.943C>T, p.Leu315Phe (NM_001281493.2, NM_001281494.2); short protein forms L617F, L315F, L487F.
Identifiers: ClinVar variation 575217 (VCV000575217.12), dbSNP rs773619924, ClinGen allele CA346749707.